The following is an entry in ClinVar:

ClinVar aggregate classification (germline): Pathogenic (1 of 4 stars; one submission).

Conditions:
Autosomal recessive nonsyndromic hearing loss 7. Also called: DEAFNESS, AUTOSOMAL RECESSIVE 11. Identifiers: Orphanet 90636, MedGen C1832978, MONDO:0010967, OMIM 600974.

Submission:

Institute of Rare Diseases, West China Hospital, Sichuan University
Classification: Pathogenic for Autosomal recessive nonsyndromic hearing loss 7. Last evaluated: 2025-01-09. Review status: criteria provided, single submitter. Criteria: ClinGen HL ACMG Specifications v1. Collection method: research. Allele origin: germline. Affected: yes.
Comment: PVS1;PM3_Supporting;PM2_Supporting

NM_138691.3(TMC1):c.535+2dup

Gene: TMC1 (transmembrane channel like 1; plus strand). Cytogenetic location: 9q21.13.
Variant type: Duplication.
Coding change: c.535+2dup on transcript NM_138691.3 (MANE Select); the canonical splice donor site of the intron after coding-DNA position 535, one base duplicated (T; older notation c.535+2dupT).
Molecular consequence: splice donor variant.
Genome position (GRCh38, 1-based): chr9:72,742,527, T duplicated. VCF-style (leftmost placement, unchanged base first): chr9-72742526-G-GT. GRCh37 (hg19) VCF-style: chr9-75357442-G-GT.
Identifiers: ClinVar variation 3601909 (VCV003601909.1).